The following is an entry in ClinVar:

ClinVar aggregate classification (germline): Uncertain significance (1 of 4 stars; one submission).

Conditions:
Neurofibromatosis, type 1 (NF1). Also called: VON RECKLINGHAUSEN DISEASE; NEUROFIBROMATOSIS, TYPE I, SOMATIC; Neurofibromatosis, type I; Peripheral type neurofibromatosis. Identifiers: Orphanet 636, MedGen C0027831, MONDO:0018975, OMIM 162200. Disease mechanism: loss of function.

Allele frequency attached by ClinVar (database versions not stated): gnomAD exomes below 0.00001.
gnomAD v4.1: 1 of 1,613,692 alleles (0.000062%); highest among the groups gnomAD compares: Non-Finnish European, 0.000085%; no homozygotes.

Submission:

Labcorp Genetics (formerly Invitae), Labcorp
Classification: Uncertain significance for Neurofibromatosis, type 1. Last evaluated: 2024-01-13. Review status: criteria provided, single submitter. Criteria: Invitae Variant Classification Sherloc (09022015). Collection method: clinical testing. Allele origin: germline.
Comment: This sequence change replaces glutamic acid, which is acidic and polar, with glutamine, which is neutral and polar, at codon 1904 of the NF1 protein (p.Glu1904Gln). This variant is not present in population databases (gnomAD no frequency). This variant has not been reported in the literature in individuals affected with NF1-related conditions. Advanced modeling of protein sequence and biophysical properties (such as structural, functional, and spatial information, amino acid conservation, physicochemical variation, residue mobility, and thermodynamic stability) performed at Invitae indicates that this missense variant is expected to disrupt NF1 protein function with a positive predictive value of 95%. In summary, the available evidence is currently insufficient to determine the role of this variant in disease. Therefore, it has been classified as a Variant of Uncertain Significance.

NM_001042492.3(NF1):c.5773G>C (p.Glu1925Gln)

Gene: NF1 (neurofibromin 1; plus strand). Cytogenetic location: 17q11.2.
Variant type: single nucleotide variant.
Coding change: c.5773G>C on transcript NM_001042492.3 (MANE Select); coding-DNA position 5773, G replaced by C.
Protein change: p.Glu1925Gln; replaces glutamic acid 1925 with glutamine.
Molecular consequence: missense variant.
Genome position (GRCh38, 1-based): chr17:31,330,459, G>C. VCF-style: chr17-31330459-G-C. GRCh37 (hg19) VCF-style: chr17-29657477-G-C.
Other names: c.5710G>C, p.Glu1904Gln (NM_000267.4); short protein forms E1925Q, E1904Q.
Identifiers: ClinVar variation 2833071 (VCV002833071.3), dbSNP rs137854565, ClinGen allele CA399010440.
Genomic context (GRCh38, chr17:31,330,459, plus strand): 5'-ACCCTCTTTATTGTCTCTATTAGTAAGACACTGGCAGCCAATGAGCCACACCTCACGTTA[G>C]AATTTTTGGAAGAGTGTATTTCTGGATTTAGCAAATCTAGTAAGTAATGATAATTTTCTT-3'
Protein context (NP_001035957.1, residues 1915-1935): LAANEPHLTL[Glu1925Gln]FLEECISGFS